The following is an entry in ClinVar:

NM_001035.3(RYR2):c.836C>T (p.Thr279Met)

Gene: RYR2 (ryanodine receptor 2; plus strand). Cytogenetic location: 1q43.
Variant type: single nucleotide variant.
Coding change: c.836C>T on transcript NM_001035.3 (MANE Select); coding-DNA position 836, C replaced by T.
Protein change: p.Thr279Met; replaces threonine 279 with methionine.
Molecular consequence: missense variant.
Genome position (GRCh38, 1-based): chr1:237,417,111, C>T. VCF-style: chr1-237417111-C-T. GRCh37 (hg19) VCF-style: chr1-237580411-C-T.
Other names: c.836C>T, p.Thr279Met (LRG_402t1); short protein forms T279M.
Identifiers: ClinVar variation 496097 (VCV000496097.26), dbSNP rs754312807, ClinGen allele CA075926.
Genomic context (GRCh38, chr1:237,417,111, plus strand): 5'-CTGTTCATTATGAAGGTGGCGCTGTGTCTGTTCATGCACGTTCCCTTTGGAGACTAGAGA[C>T]GCTAAGAGTTGCGTAAGTAGAACTTCTAAACACAGCCTAATGCACCAAGTGTACCAAATA-3'
Protein context (NP_001026.2, residues 269-289): VHARSLWRLE[Thr279Met]LRVAWSGSHI

ClinVar aggregate classification (germline): Uncertain significance. Review status: criteria provided, multiple submitters, no conflicts (2 of 4 stars). 6 submissions from 6 submitters: Uncertain significance (6). Last evaluated 2025-11-22.

Conditions:
Catecholaminergic polymorphic ventricular tachycardia (CVPT). Also called: Catecholamine-induced polymorphic ventricular tachycardia. Identifiers: Orphanet 3286, MedGen C5574922, MONDO:0017990.
Catecholaminergic polymorphic ventricular tachycardia 1. Also called: VENTRICULAR TACHYCARDIA, CATECHOLAMINERGIC POLYMORPHIC, 1, WITH OR WITHOUT ATRIAL DYSFUNCTION AND/OR DILATED CARDIOMYOPATHY; VENTRICULAR TACHYCARDIA, STRESS-INDUCED POLYMORPHIC 1; RYR2-Related Catecholaminergic Polymorphic Ventricular Tachycardia. Identifiers: Orphanet 3286, MedGen C1631597, MONDO:0011484, OMIM 604772.
Cardiovascular phenotype. Identifiers: MedGen CN230736.
Cardiomyopathy (CMYO). Also called: Cardiomyopathies. Identifiers: Orphanet 167848, MedGen C0878544, MONDO:0004994, HP:0001638. Inheritance: Various modes of inheritance.

Allele frequency attached by ClinVar (database versions not stated): ExAC 0.00001; gnomAD exomes 0.00001 and 0.00003; TOPMed 0.00001.
gnomAD v4.1: 38 of 1,613,160 alleles (0.0024%); highest among the groups gnomAD compares: Middle Eastern, 0.016%; no homozygotes.

Submissions (6):

Labcorp Genetics (formerly Invitae), Labcorp
Classification: Uncertain significance for Catecholaminergic polymorphic ventricular tachycardia 1. Last evaluated: 2025-11-22. Review status: criteria provided, single submitter. Criteria: Invitae Variant Classification Sherloc (09022015). Collection method: clinical testing. Allele origin: germline.
Comment: This sequence change replaces threonine, which is neutral and polar, with methionine, which is neutral and non-polar, at codon 279 of the RYR2 protein (p.Thr279Met). This variant is present in population databases (rs754312807, gnomAD 0.004%). This missense change has been observed in individual(s) with RYR2-related conditions (PMID: 30847666). ClinVar contains an entry for this variant (Variation ID: 496097). Invitae Evidence Modeling of protein sequence and biophysical properties (such as structural, functional, and spatial information, amino acid conservation, physicochemical variation, residue mobility, and thermodynamic stability) indicates that this missense variant is not expected to disrupt RYR2 protein function with a negative predictive value of 95%. In summary, the available evidence is currently insufficient to determine the role of this variant in disease. Therefore, it has been classified as a Variant of Uncertain Significance.

Ambry Genetics
Classification: Uncertain significance for Cardiovascular phenotype. Last evaluated: 2025-10-30. Review status: criteria provided, single submitter. Criteria: Ambry Variant Classification Scheme 2023. Collection method: clinical testing. Allele origin: germline.
Comment: The p.T279M variant (also known as c.836C>T), located in coding exon 11 of the RYR2 gene, results from a C to T substitution at nucleotide position 836. The threonine at codon 279 is replaced by methionine, an amino acid with similar properties. This variant was detected in an arrhythmia genetic testing cohort (van Lint FHM et al. Neth Heart J, 2019 Jun;27:304-309). This amino acid position is well conserved in available vertebrate species. In addition, the in silico prediction for this alteration is inconclusive. Based on the available evidence, the clinical significance of this variant remains unclear.

CeGaT Center for Human Genetics Tuebingen
Classification: Uncertain significance. Last evaluated: 2025-05-01. Review status: criteria provided, single submitter. Criteria: CeGaT Center For Human Genetics Tuebingen Variant Classification Criteria Version 2. Collection method: clinical testing. Allele origin: germline. Affected: yes. Observed: 1 variant allele.

All of Us Research Program, National Institutes of Health
Classification: Uncertain significance for Catecholaminergic polymorphic ventricular tachycardia. Last evaluated: 2023-12-13. Review status: criteria provided, single submitter. Criteria: ACMG Guidelines, 2015. Collection method: clinical testing. Allele origin: germline. Inheritance: Autosomal dominant inheritance. Observed: 4 variant alleles, 4 heterozygotes.
Comment: This missense variant replaces threonine with methionine at codon 279 of the RYR2 protein. Computational prediction is inconclusive regarding the impact of this variant on protein structure and function (internally defined REVEL score threshold 0.5 < inconclusive < 0.7, PMID: 27666373). To our knowledge, functional studies have not been reported for this variant. This variant has been reported in one individual with unspecified arrhythmia (PMID: 30847666). This variant has been identified in 3/249052 chromosomes in the general population by the Genome Aggregation Database (gnomAD). The available evidence is insufficient to determine the role of this variant in disease conclusively. Therefore, this variant is classified as a Variant of Uncertain Significance.

This study involves interpretation of variants in research participants for the purpose of population health screening. Participant phenotype was not available at the time of variant classification. Additional details can be found in publication PMID: 35346344, PMCID: PMC8962531

Color Diagnostics, LLC DBA Color Health
Classification: Uncertain significance for Cardiomyopathy. Last evaluated: 2023-10-19. Review status: criteria provided, single submitter. Criteria: ACMG Guidelines, 2015. Collection method: clinical testing. Allele origin: germline.
Comment: This missense variant replaces threonine with methionine at codon 279 of the RYR2 protein. Computational prediction is inconclusive regarding the impact of this variant on protein structure and function (internally defined REVEL score threshold 0.5 < inconclusive < 0.7, PMID: 27666373). To our knowledge, functional studies have not been reported for this variant. This variant has been reported in one individual with unspecified arrhythmia (PMID: 30847666). This variant has been identified in 3/249052 chromosomes in the general population by the Genome Aggregation Database (gnomAD). The available evidence is insufficient to determine the role of this variant in disease conclusively. Therefore, this variant is classified as a Variant of Uncertain Significance.

Women's Health and Genetics/Laboratory Corporation of America, LabCorp
Classification: Uncertain significance. Last evaluated: 2017-05-30. Review status: criteria provided, single submitter. Criteria: LabCorp Variant Classification Summary - May 2015. Collection method: clinical testing. Allele origin: germline.
Comment: Variant summary: The RYR2 c.836C>T (p.Thr279Met) variant involves the alteration of a conserved nucleotide, is located in MIR motif (InterPro, UniProt) and is predicted to be damaging by 3/4 in silico tools (SNPsandGO not captured due to low reliability index). This variant was found in 1/119600 control chromosomes from ExAC at a frequency of 0.0000084, which does not exceed the estimated maximal expected allele frequency of a pathogenic RYR2 variant (0.000055). The variant of interest has not, to our knowledge, been reported in affected individuals with cardiac phenotypes via publications and/or reputable databases/clinical diagnostic laboratories, nor has it been evaluated for functional impact by in vivo/vitro studies. In COSMIC, this variant is reported as somatic variant in one carcinoma sample from large intestine. Because of the absence of clinical information and the lack of functional studies, the variant is classified as a variant of uncertain significance (VUS) until additional information becomes available.

Literature cited by the submitters: PubMed 30847666 (cited by 4 submitters).